The following is an entry in ClinVar:

NM_000350.3(ABCA4):c.768G>A (p.Val256=)

Gene: ABCA4 (ATP binding cassette subfamily A member 4; minus strand). Cytogenetic location: 1p22.1.
Variant type: single nucleotide variant.
Coding change: c.768G>A on transcript NM_000350.3 (MANE Select); coding-DNA position 768, G replaced by A.
Protein change: p.Val256=; no amino-acid change (valine 256 retained).
Molecular consequence: synonymous variant.
Genome position (GRCh38, 1-based): chr1:94,098,794, C>T on the plus strand (G>A on the coding strand, the complement: ABCA4 is on the minus strand). VCF-style: chr1-94098794-C-T. GRCh37 (hg19) VCF-style: chr1-94564350-C-T.
Other names: c.768G>A, p.Val256= (NM_001425324.1).
Identifiers: ClinVar variation 4292814 (VCV004292814.1).

ClinVar aggregate classification (germline): Uncertain significance (1 of 4 stars; one submission).

Conditions:
Severe early-childhood-onset retinal dystrophy (STGD1). Also called: Stargardt macular dystrophy; Juvenile onset macular degeneration; Stargardt disease 1; MACULAR DYSTROPHY WITH FLECKS, TYPE 1; STGD. Identifiers: Orphanet 364055, Orphanet 827, MedGen C1855465, MeSH D000080362, MONDO:0009549, OMIM 248200.

Submission:

3billion
Classification: Uncertain significance for Severe early-childhood-onset retinal dystrophy. Last evaluated: 2025-02-12. Review status: criteria provided, single submitter. Criteria: ACMG Guidelines, 2015. Collection method: clinical testing. Allele origin: germline. Affected: yes.
Comment: The variant is not observed in the gnomAD v4.1.0 dataset. Predicted Consequence/Location: Synonymous variant In silico tools predict the variant to alter splicing and produce an abnormal transcript [SpliceAI: 0.54 (>=0.2, moderate evidence for spliceogenicity)]. Therefore, this variant is classified as VUS according to the recommendation of ACMG/AMP guideline.